The following is an entry in ClinVar:

NM_001754.5(RUNX1):c.672G>T (p.Arg224=)

Gene: RUNX1 (RUNX family transcription factor 1; minus strand). Cytogenetic location: 21q22.12.
Variant type: single nucleotide variant.
Coding change: c.672G>T on transcript NM_001754.5 (MANE Select); coding-DNA position 672, G replaced by T.
Protein change: p.Arg224=; no amino-acid change (arginine 224 retained).
Molecular consequence: synonymous variant.
Genome position (GRCh38, 1-based): chr21:34,834,543, C>A on the plus strand (G>T on the coding strand, the complement: RUNX1 is on the minus strand). VCF-style: chr21-34834543-C-A. GRCh37 (hg19) VCF-style: chr21-36206840-C-A.
Other names: NM_001754.5(RUNX1):c.672G>T; p.Arg224=; c.591G>T, p.Arg197= (NM_001001890.3, NM_001122607.2).
Identifiers: ClinVar variation 2187610 (VCV002187610.5), dbSNP rs2146076432, ClinGen allele CA512318659.

ClinVar aggregate classification (germline): Likely benign. Review status: reviewed by expert panel (3 of 4 stars). 2 submissions from 2 submitters: Likely benign (1). 1 of the submissions does not count toward it. Last evaluated 2024-09-10.

Conditions:
Hereditary thrombocytopenia and hematologic cancer predisposition syndrome. Identifiers: Orphanet 71290, MedGen CN281654, MONDO:0011071.
Hereditary thrombocytopenia and hematological cancer predisposition syndrome associated with RUNX1. Also called: Familial Platelet Disorder with Propensity to Acute Myelogenous Leukemia; Familial thrombocytopenia with propensity to acute myelogenous leukemia; PLATELET DISORDER, ASPIRIN-LIKE; RUNX1 Familial Platelet Disorder with Associated Myeloid Malignancies. Identifiers: Orphanet 71290, MedGen C1832388, MeSH C563324, MONDO:0100083, OMIM 601399.

Allele frequency attached by ClinVar (database versions not stated): gnomAD exomes below 0.00001.
gnomAD v4.1: 2 of 1,612,714 alleles (0.00012%); highest among the groups gnomAD compares: Non-Finnish European, 0.00017%; no homozygotes.

Submissions (2):

ClinGen Myeloid Malignancy Variant Curation Expert Panel
Classification: Likely benign for Hereditary thrombocytopenia and hematologic cancer predisposition syndrome. Last evaluated: 2024-09-10. Review status: reviewed by expert panel. Criteria: ClinGen MyeloMalig ACMG Specifications v2. Collection method: curation. Allele origin: germline. Inheritance: Autosomal dominant inheritance.
Comment: NM_001754.5(RUNX1):c.672G>T (p.Arg224=) is a synonymous variant which has a SpliceAI score ≤ 0.20 (0.0) (BP4). This variant has a SpliceAI score ≤ 0.20 (0.0) and evolutionary conservation algorithms predict the site as not being conserved (PhyloP score ≤ 2.0 (0.16)) (BP7). This variant is completely absent from all population databases with at least 20x coverage for RUNX1 (PM2_Supporting). In summary, this variant meets criteria to be classified as likely benign. ACMG/AMP criteria applied, as specified by the Myeloid Malignancy Variant Curation Expert Panel for RUNX1: BP4, BP7, PM2_supporting.

Labcorp Genetics (formerly Invitae), Labcorp
Classification: Likely benign for Hereditary thrombocytopenia and hematological cancer predisposition syndrome associated with RUNX1. Last evaluated: 2021-12-21. Review status: criteria provided, single submitter. Criteria: Invitae Variant Classification Sherloc (09022015). Collection method: clinical testing. Allele origin: germline. Not counted in ClinVar's aggregate classification.